The following is an entry in ClinVar:

NM_001129729.3(PLEKHG4):c.1235C>T (p.Thr412Ile)

Gene: PLEKHG4 (pleckstrin homology and RhoGEF domain containing G4; plus strand). Cytogenetic location: 16q22.1.
Variant type: single nucleotide variant.
Coding change: c.1235C>T on transcript NM_001129729.3 (MANE Select); coding-DNA position 1235, C replaced by T.
Protein change: p.Thr412Ile; replaces threonine 412 with isoleucine.
Molecular consequence: missense variant.
Genome position (GRCh38, 1-based): chr16:67,282,331, C>T. VCF-style: chr16-67282331-C-T. GRCh37 (hg19) VCF-style: chr16-67316234-C-T.
Other names: c.1235C>T, p.Thr412Ile (NM_001129727.3, NM_001129728.2); c.992C>T, p.Thr331Ile (NM_001129731.3); short protein forms T412I, T331I.
Identifiers: ClinVar variation 129964 (VCV000129964.7), dbSNP rs11860295, ClinGen allele CA211239.
Genomic context (GRCh38, chr16:67,282,331, plus strand): 5'-GGCTACAATGCCAGGGGGGCCGGGAGCTGACATGGCTGAAGCAAGAGGTCCCAGAGGTGA[C>T]CCTGAGCCCAGACTACAGGTGAGTGCAAGCCCGGCCCCCAGATCTTGCCCCAGCCCACCA-3'
Protein context (NP_001123201.1, residues 402-422): TWLKQEVPEV[Thr412Ile]LSPDYRTAMD

ClinVar aggregate classification (germline): Benign. Review status: criteria provided, single submitter (1 of 4 stars). 2 submissions from 2 submitters: Benign (1). 1 of the submissions does not count toward it.

Allele frequency attached by ClinVar (database versions not stated): gnomAD exomes 0.11799; ExAC 0.13428; gnomAD 0.22066 and 0.22968; TOPMed 0.22762; ESP Exome Variant Server 0.23842; 1000 Genomes Project 0.24401; 1000 Genomes Project 30x 0.25547.
gnomAD v4.1: 168,014 of 1,612,318 alleles (10%); highest among the groups gnomAD compares: African/African-American, 58%; 18,869 homozygotes.

Submissions (2):

Breakthrough Genomics
Classification: Benign. Review status: criteria provided, single submitter. Criteria: ACMG Guidelines, 2015. Collection method: not provided. Allele origin: germline. Inheritance: Unknown mechanism. Affected: yes.

Genetic Services Laboratory, University of Chicago
Classification: Likely benign for AllHighlyPenetrant. Review status: no assertion criteria provided. Collection method: clinical testing. Allele origin: germline. Inheritance: Autosomal dominant inheritance. Not counted in ClinVar's aggregate classification.
Comment: Likely benign based on allele frequency in 1000 Genomes Project or ESP global frequency and its presence in a patient with a rare or unrelated disease phenotype. NOT Sanger confirmed.